The following is an entry in ClinVar:

ClinVar aggregate classification (germline): Uncertain significance (1 of 4 stars; one submission).

Submission:

Labcorp Genetics (formerly Invitae), Labcorp
Classification: Uncertain significance. Last evaluated: 2022-08-05. Review status: criteria provided, single submitter. Criteria: Invitae Variant Classification Sherloc (09022015). Collection method: clinical testing. Allele origin: germline.
Comment: This variant, c.1090_1107dup, results in the insertion of 6 amino acid(s) of the DEF6 protein (p.Leu364_Glu369dup), but otherwise preserves the integrity of the reading frame. This variant is present in population databases (no rsID available, gnomAD 0.02%). This variant has not been reported in the literature in individuals affected with DEF6-related conditions. ClinVar contains an entry for this variant (Variation ID: 1404562). Experimental studies and prediction algorithms are not available or were not evaluated, and the functional significance of this variant is currently unknown. In summary, the available evidence is currently insufficient to determine the role of this variant in disease. Therefore, it has been classified as a Variant of Uncertain Significance.

NM_022047.4(DEF6):c.1090_1107dup (p.Leu364_Glu369dup)

Gene: DEF6 (DEF6 guanine nucleotide exchange factor; plus strand). Cytogenetic location: 6p21.31.
Variant type: Duplication.
Coding change: c.1090_1107dup on transcript NM_022047.4 (MANE Select); coding-DNA positions 1090 to 1107, 18 bases duplicated (CTGGAGCTGCTGCAGGAG).
Protein change: p.Leu364_Glu369dup.
Molecular consequence: inframe insertion.
Genome position (GRCh38, 1-based): chr6:35,318,346-35,318,363, CTGGAGCTGCTGCAGGAG duplicated; duplicating any 18 consecutive bases within chr6:35,318,336-35,318,363 gives the same sequence; the c. name uses the placement nearest the transcript's 3' end. VCF-style (leftmost placement, unchanged base first): chr6-35318335-A-AGCTGCAGGAGCTGGAGCT. GRCh37 (hg19) VCF-style: chr6-35286112-A-AGCTGCAGGAGCTGGAGCT.
Identifiers: ClinVar variation 1404562 (VCV001404562.5), dbSNP rs1271196150, ClinGen allele CA566702644.